The following is an entry in ClinVar:

ClinVar aggregate classification (germline): Benign (0 of 4 stars; one submission).

Conditions:
TNS1-related disorder. Also called: TNS1-related condition.

Allele frequency attached by ClinVar (database versions not stated): ExAC 0.61955; 1000 Genomes Project 0.65895; gnomAD 0.66161; 1000 Genomes Project 30x 0.66209; TOPMed 0.67727; ESP Exome Variant Server 0.67769.
gnomAD v4.1: 990,371 of 1,613,836 alleles (61%); highest among the groups gnomAD compares: African/African-American, 81%; 306,254 homozygotes.

Submission:

PreventionGenetics, part of Exact Sciences
Classification: Benign for TNS1-related condition. Last evaluated: 2022-03-30. Review status: no assertion criteria provided. Collection method: clinical testing. Allele origin: germline.
Comment: This variant is classified as benign based on ACMG/AMP sequence variant interpretation guidelines (Richards et al. 2015 PMID: 25741868, with internal and published modifications).

NM_001387777.1(TNS1):c.3901T>C (p.Trp1301Arg)

Gene: TNS1 (tensin 1; minus strand). Cytogenetic location: 2q35.
Variant type: single nucleotide variant.
Coding change: c.3901T>C on transcript NM_001387777.1 (MANE Select); coding-DNA position 3901, T replaced by C.
Protein change: p.Trp1301Arg; replaces tryptophan 1301 with arginine.
Molecular consequence: missense variant.
Genome position (GRCh38, 1-based): chr2:217,818,431, A>G on the plus strand (T>C on the coding strand, the complement: TNS1 is on the minus strand). VCF-style: chr2-217818431-A-G. GRCh37 (hg19) VCF-style: chr2-218683154-A-G.
Other names: c.3550T>C, p.Trp1184Arg (NM_001308022.2); c.3526T>C, p.Trp1176Arg (NM_001308023.2); c.3589T>C, p.Trp1197Arg (NM_022648.7); short protein forms W1176R, W1184R, W1197R, W1301R.
Identifiers: ClinVar variation 3060903 (VCV003060903.2), dbSNP rs2571445, ClinGen allele CA2099756.